The following is an entry in ClinVar:

NM_016378.3(VCX2):c.396C>T (p.Ser132=)

Genes: VCX2 (variable charge X-linked 2; minus strand), LOC106029241 (S232-VCX2 recombination region; plus strand). Cytogenetic location: Xp22.31.
Variant type: single nucleotide variant.
Coding change: c.396C>T on transcript NM_016378.3 (MANE Select); coding-DNA position 396, C replaced by T.
Protein change: p.Ser132=; no amino-acid change (serine 132 retained).
Molecular consequence: synonymous variant.
Genome position (GRCh38, 1-based): chrX:8,170,056, G>A on the plus strand (C>T on the coding strand, the complement: VCX2 is on the minus strand). VCF-style: chrX-8170056-G-A. GRCh37 (hg19) VCF-style: chrX-8138097-G-A.
Identifiers: ClinVar variation 2659925 (VCV002659925.24), dbSNP rs1389572258, ClinGen allele CA515371103.
Genomic context (GRCh38, chrX:8,170,056, plus strand): 5'-GGTGAGATCTCTGAGGTCTGGCGGCTGGGCCTGAACTTAGTCGGTGCTCTCGGAGACAGG[G>A]GAAAAGCTGGCCATCCACACAGTCAGTGGTTCTTCCACCTCGCTCTCCTGACTCAGTGGT-3'
Protein context (NP_057462.2, residues 122-139): EPLTVWMASF[Ser132=]PVSESTD

ClinVar aggregate classification (germline): Likely benign (1 of 4 stars; one submission).

Allele frequency attached by ClinVar (database versions not stated): gnomAD exomes 0.00002.
gnomAD v4.1: 17 of 1,204,372 alleles (0.0014%); highest among the groups gnomAD compares: East Asian, 0.0089%; no homozygotes.

Submission:

CeGaT Center for Human Genetics Tuebingen
Classification: Likely benign. Last evaluated: 2022-07-01. Review status: criteria provided, single submitter. Criteria: CeGaT Center For Human Genetics Tuebingen Variant Classification Criteria Version 2. Collection method: clinical testing. Allele origin: germline. Affected: yes. Observed: 1 variant allele.
Comment: VCX2: BP4, BP7